The following is an entry in ClinVar:

NM_194277.3(FRMD7):c.69C>T (p.Ser23=)

Gene: FRMD7 (FERM domain containing 7; minus strand). Cytogenetic location: Xq26.2.
Variant type: single nucleotide variant.
Coding change: c.69C>T on transcript NM_194277.3 (MANE Select); coding-DNA position 69, C replaced by T.
Protein change: p.Ser23=; no amino-acid change (serine 23 retained).
Molecular consequence: synonymous variant.
Genome position (GRCh38, 1-based): chrX:132,100,705, G>A on the plus strand (C>T on the coding strand, the complement: FRMD7 is on the minus strand). VCF-style: chrX-132100705-G-A. GRCh37 (hg19) VCF-style: chrX-131234733-G-A.
Other names: c.69C>T, p.Ser23= (NM_001306193.2).
Identifiers: ClinVar variation 263089 (VCV000263089.19), dbSNP rs5930546, ClinGen allele CA10519128.

ClinVar aggregate classification (germline): Benign. Review status: criteria provided, multiple submitters, no conflicts (2 of 4 stars). 7 submissions from 7 submitters: Benign (7). Last evaluated 2026-02-02.

Conditions:
Nystagmus 1, congenital, X-linked. Also called: NYSTAGMUS, INFANTILE PERIODIC ALTERNATING, X-LINKED; FRMD7-Related Infantile Nystagmus; NYSTAGMUS 1, INFANTILE, X-LINKED; NYSTAGMUS, CONGENITAL MOTOR, 1; NYSTAGMUS, INFANTILE IDIOPATHIC. Identifiers: MedGen C1839580, MONDO:0010693, OMIM 310700.

Allele frequency attached by ClinVar (database versions not stated): 1000 Genomes Project 30x 0.05682; 1000 Genomes Project 0.05695; TOPMed 0.07723; gnomAD 0.08374 and 0.08423; gnomAD exomes 0.08397 and 0.10051; ExAC 0.08514; ESP Exome Variant Server 0.09372.
gnomAD v4.1: 117,629 of 1,194,992 alleles (9.8%); highest among the groups gnomAD compares: Non-Finnish European, 11%; 4,326 homozygotes.

Submissions (7):

Labcorp Genetics (formerly Invitae), Labcorp
Classification: Benign. Last evaluated: 2026-02-02. Review status: criteria provided, single submitter. Criteria: Invitae Variant Classification Sherloc (09022015). Collection method: clinical testing. Allele origin: germline.

Blueprint Genetics
Classification: Benign. Last evaluated: 2024-11-28. Review status: criteria provided, single submitter. Criteria: ACMG Guidelines, 2015. Collection method: clinical testing. Allele origin: germline.

Genome-Nilou Lab
Classification: Benign for Nystagmus 1, congenital, X-linked. Last evaluated: 2021-08-10. Review status: criteria provided, single submitter. Criteria: ACMG Guidelines, 2015. Collection method: clinical testing. Allele origin: germline. Affected: no.

Illumina Laboratory Services, Illumina
Classification: Benign for Nystagmus 1, congenital, X-linked. Last evaluated: 2018-01-13. Review status: criteria provided, single submitter. Criteria: ICSL Variant Classification Criteria 13 December 2019. Collection method: clinical testing. Allele origin: germline.
Comment: This variant was observed in the ICSL laboratory as part of a predisposition screen in an ostensibly healthy population. It had not been previously curated by ICSL or reported in the Human Gene Mutation Database (HGMD: prior to June 1st, 2018), and was therefore a candidate for classification through an automated scoring system. Utilizing variant allele frequency, disease prevalence and penetrance estimates, and inheritance mode, an automated score was calculated to assess if this variant is too frequent to cause the disease. Based on the score and internal cut-off values, a variant classified as benign is not then subjected to further curation. The score for this variant resulted in a classification of benign for this disease.

GeneDx
Classification: Benign. Last evaluated: 2015-03-03. Review status: criteria provided, single submitter. Criteria: GeneDx Variant Classification Process June 2021. Collection method: clinical testing. Allele origin: germline. Affected: yes.

Breakthrough Genomics
Classification: Benign. Review status: criteria provided, single submitter. Criteria: ACMG Guidelines, 2015. Collection method: not provided. Allele origin: germline. Inheritance: X-linked inheritance. Affected: yes.

PreventionGenetics, part of Exact Sciences
Classification: Benign. Review status: criteria provided, single submitter. Criteria: ACMG Guidelines, 2015. Collection method: clinical testing. Allele origin: germline.